The following is an entry in ClinVar:

NM_007194.4(CHEK2):c.1401G>T (p.Leu467Phe)

Gene: CHEK2 (checkpoint kinase 2; minus strand). Cytogenetic location: 22q12.1.
Variant type: single nucleotide variant.
Coding change: c.1401G>T on transcript NM_007194.4 (MANE Select); coding-DNA position 1401, G replaced by T.
Protein change: p.Leu467Phe; replaces leucine 467 with phenylalanine.
Molecular consequence: missense variant.
Genome position (GRCh38, 1-based): chr22:28,694,092, C>A on the plus strand (G>T on the coding strand, the complement: CHEK2 is on the minus strand). VCF-style: chr22-28694092-C-A. GRCh37 (hg19) VCF-style: chr22-29090080-C-A.
Other names: c.1530G>T, p.Leu510Phe (NM_001005735.3); c.738G>T, p.Leu246Phe (NM_001257387.3); c.1200G>T, p.Leu400Phe (NM_001349956.3); c.1314G>T, p.Leu438Phe (NM_145862.3); short protein forms L438F, L467F, L400F, L510F, L246F.
Identifiers: ClinVar variation 1771820 (VCV001771820.3), dbSNP rs876658908, ClinGen allele CA411094398.

ClinVar aggregate classification (germline): Uncertain significance (1 of 4 stars; one submission).

Conditions:
Hereditary cancer-predisposing syndrome. Also called: Hereditary Cancer Syndrome; Hereditary neoplastic syndrome; Neoplastic Syndromes, Hereditary; Tumor predisposition. Identifiers: Orphanet 140162, MedGen C0027672, MeSH D009386, MONDO:0015356.

Submission:

Ambry Genetics
Classification: Uncertain significance for Hereditary cancer-predisposing syndrome. Last evaluated: 2025-03-17. Review status: criteria provided, single submitter. Criteria: Ambry Variant Classification Scheme 2023. Collection method: clinical testing. Allele origin: germline.
Comment: The p.L467F variant (also known as c.1401G>T), located in coding exon 12 of the CHEK2 gene, results from a G to T substitution at nucleotide position 1401. The leucine at codon 467 is replaced by phenylalanine, an amino acid with highly similar properties. This amino acid position is highly conserved in available vertebrate species. In addition, this alteration is predicted to be deleterious by in silico analysis. Based on the available evidence, the clinical significance of this variant remains unclear.